The following is an entry in ClinVar:

NM_030973.4(MED25):c.526C>T (p.Arg176Trp)

Gene: MED25 (mediator complex subunit 25; plus strand). Cytogenetic location: 19q13.33.
Variant type: single nucleotide variant.
Coding change: c.526C>T on transcript NM_030973.4 (MANE Select); coding-DNA position 526, C replaced by T.
Protein change: p.Arg176Trp; replaces arginine 176 with tryptophan.
Molecular consequence: missense variant.
Genome position (GRCh38, 1-based): chr19:49,829,786, C>T. VCF-style: chr19-49829786-C-T. GRCh37 (hg19) VCF-style: chr19-50333043-C-T.
Other names: c.526C>T, p.Arg176Trp (NM_001378355.1); c.526C>T (NM_030973.3); short protein forms R176W.
Identifiers: ClinVar variation 932437 (VCV000932437.42), dbSNP rs757456871, ClinGen allele CA9584904.

ClinVar aggregate classification (germline): Uncertain significance. Review status: criteria provided, multiple submitters, no conflicts (2 of 4 stars). 3 submissions from 3 submitters: Uncertain significance (3). Last evaluated 2024-03-11.

Conditions:
Inborn genetic diseases. Identifiers: MedGen C0950123, MeSH D030342.

Allele frequency attached by ClinVar (database versions not stated): gnomAD 0.00001; gnomAD exomes 0.00001 and 0.00002; TOPMed 0.00001; ExAC 0.00013.
gnomAD v4.1: 13 of 1,588,284 alleles (0.00082%); highest among the groups gnomAD compares: Admixed American, 0.0018%; no homozygotes.

Submissions (3):

Clinical Genetics Laboratory, Skane University Hospital Lund
Classification: Uncertain significance. Last evaluated: 2024-03-11. Review status: criteria provided, single submitter. Criteria: ACMG Guidelines, 2015. Collection method: clinical testing. Allele origin: germline. Affected: yes.

Ambry Genetics
Classification: Uncertain significance for Inborn genetic diseases. Last evaluated: 2021-02-22. Review status: criteria provided, single submitter. Criteria: Ambry Variant Classification Scheme 2023. Collection method: clinical testing. Allele origin: germline.
Comment: The c.526C>T (p.R176W) alteration is located in exon 6 (coding exon 6) of the MED25 gene. This alteration results from a C to T substitution at nucleotide position 526, causing the arginine (R) at amino acid position 176 to be replaced by a tryptophan (W). The p.R176W alteration is predicted to be tolerated by in silico analysis. Based on insufficient or conflicting evidence, the clinical significance of this alteration remains unclear.

CeGaT Center for Human Genetics Tuebingen
Classification: Uncertain significance. Last evaluated: 2020-07-01. Review status: criteria provided, single submitter. Criteria: CeGaT Center For Human Genetics Tuebingen Variant Classification Criteria Version 2. Collection method: clinical testing. Allele origin: germline. Affected: yes. Observed: 2 variant alleles.